The following is an entry in ClinVar:

NM_000742.4(CHRNA2):c.766A>G (p.Thr256Ala)

Gene: CHRNA2 (cholinergic receptor nicotinic alpha 2 subunit; minus strand). Cytogenetic location: 8p21.2.
Variant type: single nucleotide variant.
Coding change: c.766A>G on transcript NM_000742.4 (MANE Select); coding-DNA position 766, A replaced by G.
Protein change: p.Thr256Ala; replaces threonine 256 with alanine.
Molecular consequence: missense variant.
Genome position (GRCh38, 1-based): chr8:27,463,677, T>C on the plus strand (A>G on the coding strand, the complement: CHRNA2 is on the minus strand). VCF-style: chr8-27463677-T-C. GRCh37 (hg19) VCF-style: chr8-27321194-T-C.
Other names: c.721A>G, p.Thr241Ala (NM_001282455.2); c.289A>G, p.Thr97Ala (NM_001347705.2, NM_001347706.2); c.172A>G, p.Thr58Ala (NM_001347707.2, NM_001347708.2); short protein forms T241A, T256A, T58A, T97A.
Identifiers: ClinVar variation 3572572 (VCV003572572.2).

ClinVar aggregate classification (germline): Uncertain significance (1 of 4 stars; one submission).

Submission:

GeneDx
Classification: Uncertain significance. Last evaluated: 2026-01-06. Review status: criteria provided, single submitter. Criteria: GeneDx Variant Classification Process June 2021. Collection method: clinical testing. Allele origin: germline.
Comment: Not observed at significant frequency in large population cohorts (gnomAD); In silico analysis supports that this missense variant has a deleterious effect on protein structure/function; Has not been previously published as pathogenic or benign to our knowledge